The following is an entry in ClinVar:

ClinVar aggregate classification (germline): Uncertain significance. Review status: criteria provided, multiple submitters, no conflicts (2 of 4 stars). 2 submissions from 2 submitters: Uncertain significance (2). Last evaluated 2025-10-27.

Conditions:
Hereditary cancer-predisposing syndrome. Also called: Neoplastic Syndromes, Hereditary; Tumor predisposition; Hereditary Cancer Syndrome; Hereditary neoplastic syndrome. Identifiers: Orphanet 140162, MedGen C0027672, MeSH D009386, MONDO:0015356.

Submissions (2):

Ambry Genetics
Classification: Uncertain significance for Hereditary cancer-predisposing syndrome. Last evaluated: 2025-10-27. Review status: criteria provided, single submitter. Criteria: Ambry Variant Classification Scheme 2023. Collection method: clinical testing. Allele origin: germline.
Comment: The p.I157N variant (also known as c.470T>A), located in coding exon 4 of the FH gene, results from a T to A substitution at nucleotide position 470. The isoleucine at codon 157 is replaced by asparagine, an amino acid with dissimilar properties. This amino acid position is highly conserved in available vertebrate species. In addition, this alteration is predicted to be deleterious by in silico analysis. Based on the available evidence, the clinical significance of this variant remains unclear.

Labcorp Genetics (formerly Invitae), Labcorp
Classification: Uncertain significance. Last evaluated: 2025-05-13. Review status: criteria provided, single submitter. Criteria: Invitae Variant Classification Sherloc (09022015). Collection method: clinical testing. Allele origin: germline.
Comment: This sequence change replaces isoleucine, which is neutral and non-polar, with asparagine, which is neutral and polar, at codon 157 of the FH protein (p.Ile157Asn). This variant is not present in population databases (gnomAD no frequency). This variant has not been reported in the literature in individuals affected with FH-related conditions. Invitae Evidence Modeling of protein sequence and biophysical properties (such as structural, functional, and spatial information, amino acid conservation, physicochemical variation, residue mobility, and thermodynamic stability) indicates that this missense variant is expected to disrupt FH protein function with a positive predictive value of 95%. In summary, the available evidence is currently insufficient to determine the role of this variant in disease. Therefore, it has been classified as a Variant of Uncertain Significance.

NM_000143.4(FH):c.470T>A (p.Ile157Asn)

Gene: FH (fumarate hydratase; minus strand). Cytogenetic location: 1q43.
Variant type: single nucleotide variant.
Coding change: c.470T>A on transcript NM_000143.4 (MANE Select); coding-DNA position 470, T replaced by A.
Protein change: p.Ile157Asn; replaces isoleucine 157 with asparagine.
Molecular consequence: missense variant.
Genome position (GRCh38, 1-based): chr1:241,512,052, A>T on the plus strand (T>A on the coding strand, the complement: FH is on the minus strand). VCF-style: chr1-241512052-A-T. GRCh37 (hg19) VCF-style: chr1-241675352-A-T.
Other names: short protein forms I157N.
Identifiers: ClinVar variation 4642129 (VCV004642129.2).